The following is an entry in ClinVar:

ClinVar aggregate classification (germline): Uncertain significance. Review status: criteria provided, multiple submitters, no conflicts (2 of 4 stars). 2 submissions from 2 submitters: Uncertain significance (2). Last evaluated 2025-11-05.

Conditions:
Multiple endocrine neoplasia, type 2 (MEN2). Identifiers: Orphanet 653, MedGen C4048306, MONDO:0019003. Disease mechanism: gain of function.
Hereditary cancer-predisposing syndrome. Also called: Hereditary neoplastic syndrome; Hereditary Cancer Syndrome; Neoplastic Syndromes, Hereditary; Tumor predisposition. Identifiers: Orphanet 140162, MedGen C0027672, MeSH D009386, MONDO:0015356.

Allele frequency attached by ClinVar (database versions not stated): gnomAD exomes below 0.00001.
gnomAD v4.1: 2 of 1,614,094 alleles (0.00012%); highest among the groups gnomAD compares: African/African-American, 0.0013%; no homozygotes.

Submissions (2):

Ambry Genetics
Classification: Uncertain significance for Hereditary cancer-predisposing syndrome. Last evaluated: 2025-11-05. Review status: criteria provided, single submitter. Criteria: Ambry Variant Classification Scheme 2023. Collection method: clinical testing. Allele origin: germline.
Comment: The p.H786Y variant (also known as c.2356C>T), located in coding exon 13 of the RET gene, results from a C to T substitution at nucleotide position 2356. The histidine at codon 786 is replaced by tyrosine, an amino acid with similar properties. This amino acid position is conserved. In addition, the in silico prediction for this alteration is inconclusive. Based on the available evidence, the clinical significance of this variant remains unclear.

All of Us Research Program, National Institutes of Health
Classification: Uncertain significance for Multiple endocrine neoplasia, type 2. Last evaluated: 2023-06-08. Review status: criteria provided, single submitter. Criteria: ACMG Guidelines, 2015. Collection method: clinical testing. Allele origin: germline. Inheritance: Autosomal dominant inheritance. Observed: 1 variant allele, 1 heterozygote.
Comment: This missense variant replaces histidine with tyrosine at codon 786 of the RET protein. Computational prediction is inconclusive regarding the impact of this variant on protein structure and function (internally defined REVEL score threshold 0.5 < inconclusive < 0.7, PMID: 27666373). To our knowledge, functional studies have not been reported for this variant. This variant has not been reported in individuals affected with RET-related disorders in the literature. This variant has been identified in 1/251294 chromosomes in the general population by the Genome Aggregation Database (gnomAD). The available evidence is insufficient to determine the role of this variant in disease conclusively. Therefore, this variant is classified as a Variant of Uncertain Significance.

This study involves interpretation of variants in research participants for the purpose of population health screening. Participant phenotype was not available at the time of variant classification. Additional details can be found in publication PMID: 35346344, PMCID: PMC8962531

NM_020975.6(RET):c.2356C>T (p.His786Tyr)

Gene: RET (ret proto-oncogene; plus strand). Cytogenetic location: 10q11.21.
Variant type: single nucleotide variant.
Coding change: c.2356C>T on transcript NM_020975.6 (MANE Select); coding-DNA position 2356, C replaced by T.
Protein change: p.His786Tyr; replaces histidine 786 with tyrosine.
Molecular consequence: missense variant.
Genome position (GRCh38, 1-based): chr10:43,118,444, C>T. VCF-style: chr10-43118444-C-T. GRCh37 (hg19) VCF-style: chr10-43613892-C-T.
Other names: c.2356C>T, p.His786Tyr (NM_000323.2, NM_001406743.1, NM_001406744.1 and 4 more transcripts); c.1594C>T, p.His532Tyr (NM_001355216.2); c.2227C>T, p.His743Tyr (NM_001406761.1, NM_001406762.1, NM_001406764.1); c.2221C>T, p.His741Tyr (NM_001406763.1, NM_001406765.1); c.2068C>T, p.His690Tyr (NM_001406766.1, NM_001406767.1, NM_001406770.1); c.2092C>T, p.His698Tyr (NM_001406768.1); c.1960C>T, p.His654Tyr (NM_001406769.1, NM_001406772.1); c.1918C>T, p.His640Tyr (NM_001406771.1, NM_001406773.1); and 10 more; short protein forms H303Y, H351Y, H391Y, H442Y, H444Y, H447Y, H456Y, H487Y.
Identifiers: ClinVar variation 3071491 (VCV003071491.2), dbSNP rs1400642102, ClinGen allele CA376555812.